The following is an entry in ClinVar:

ClinVar aggregate classification (germline): Conflicting classifications of pathogenicity. Review status: criteria provided, conflicting classifications (1 of 4 stars). 11 submissions from 11 submitters: Pathogenic (7); Likely pathogenic (2); Uncertain significance (2). Last evaluated 2026-02-01.

Conditions:
DHTKD1-related disorder. Also called: DHTKD1-related condition.
Inborn genetic diseases. Identifiers: MedGen C0950123, MeSH D030342.
Charcot-Marie-Tooth disease axonal type 2Q. Also called: CHARCOT-MARIE-TOOTH NEUROPATHY, TYPE 2Q; CHARCOT-MARIE-TOOTH DISEASE, AXONAL, AUTOSOMAL DOMINANT, TYPE 2Q. Identifiers: Orphanet 329258, MedGen C3554366, MONDO:0014012, OMIM 615025.
2-aminoadipic 2-oxoadipic aciduria (AAKAD). Also called: ALPHA-AMINOADIPIC AND ALPHA-KETOADIPIC ACIDURIA; Aminoadipic aciduria. Identifiers: Orphanet 79154, MedGen C1859817, MONDO:0008774, OMIM 204750.

Allele frequency attached by ClinVar (database versions not stated): ExAC 0.00007; gnomAD 0.00009 and 0.00010; TOPMed 0.00014.
gnomAD v4.1: 166 of 1,614,026 alleles (0.01%); highest among the groups gnomAD compares: Non-Finnish European, 0.014%; no homozygotes.

Submissions (11):

Labcorp Genetics (formerly Invitae), Labcorp
Classification: Pathogenic for 2-aminoadipic 2-oxoadipic aciduria. Last evaluated: 2026-02-01. Review status: criteria provided, single submitter. Criteria: Invitae Variant Classification Sherloc (09022015). Collection method: clinical testing. Allele origin: germline.
Comment: This sequence change creates a premature translational stop signal (p.Glu437*) in the DHTKD1 gene. It is expected to result in an absent or disrupted protein product. Loss-of-function variants in DHTKD1 are known to be pathogenic (PMID: 23141293, 25860818). This variant is present in population databases (rs138884194, gnomAD 0.01%). This premature translational stop signal has been observed in individual(s) with alpha-aminoadipic and alpha-ketoadipic aciduria (PMID: 25860818). ClinVar contains an entry for this variant (Variation ID: 574714). For these reasons, this variant has been classified as Pathogenic.

PreventionGenetics, part of Exact Sciences
Classification: Pathogenic for DHTKD1-related condition. Last evaluated: 2026-01-13. Review status: criteria provided, single submitter. Criteria: ACMG Guidelines, 2015. Collection method: clinical testing. Allele origin: germline.
Comment: The DHTKD1 c.1309G>T variant is predicted to result in premature protein termination (p.Glu437*). This variant has been reported with a second pathogenic DHTKD1 variant in a patient with alpha-aminoadipic & alpha-ketoadipic aciduria (Hagen et al. 2015. PubMed ID: 25860818). This variant is reported in 0.013% of alleles in individuals of European (non-Finnish) descent in gnomAD. Nonsense variants in DHTKD1 are expected to be pathogenic. This variant is interpreted as pathogenic.

GeneDx
Classification: Uncertain significance. Last evaluated: 2025-09-06. Review status: criteria provided, single submitter. Criteria: GeneDx Variant Classification Process June 2021. Collection method: clinical testing. Allele origin: germline.
Comment: Identified with another DHTKD1 variant (phase unknown) in a patient with alpha-aminoadipic and alpha-ketoadipic aciduria (PMID: 25860818); Reported as a heterozygous variant in an individual with amyotrophic lateral sclerosis (PMID: 35052424) and in an individual with Charcot Marie Tooth disease (PMID: 28902413); Nonsense variant predicted to result in protein truncation or nonsense mediated decay in a gene for which loss of function is a known mechanism of disease; This variant is associated with the following publications: (PMID: 25860818, 35052424, 28902413, Hongxia2023[CaseReport])

Women's Health and Genetics/Laboratory Corporation of America, LabCorp
Classification: Pathogenic for 2-aminoadipic 2-oxoadipic aciduria. Last evaluated: 2025-04-15. Review status: criteria provided, single submitter. Criteria: LabCorp Variant Classification Summary - May 2015. Collection method: clinical testing. Allele origin: germline.
Comment: Variant summary: DHTKD1 c.1309G>T (p.Glu437X) results in a premature termination codon, predicted to cause a truncation of the encoded protein or absence of the protein due to nonsense mediated decay, which are commonly known mechanisms for disease. The variant allele was found at a frequency of 6e-05 in 251488 control chromosomes. This frequency is not significantly higher than estimated for a pathogenic variant in DHTKD1 causing 2-aminoadipic 2-oxoadipic aciduria (6e-05 vs 0.0011), allowing no conclusion about variant significance. c.1309G>T has been reported in the literature in individuals affected with 2-Aminoadipic 2-Oxoadipic Aciduria (Hagen_2015), Charcot-Marie-Tooth Type 2Q (Dohrn_2017) and Amyotrophic Lateral Sclerosis (Osmanovic_2022). These data indicate that the variant is very likely to be associated with disease. To our knowledge, no experimental evidence demonstrating an impact on protein function has been reported. The following publications have been ascertained in the context of this evaluation (PMID: 28902413, 25860818, 35052424). ClinVar contains an entry for this variant (Variation ID: 574714). Based on the evidence outlined above, the variant was classified as pathogenic.

3billion
Classification: Pathogenic for Charcot-Marie-Tooth disease axonal type 2Q. Last evaluated: 2023-07-17. Review status: criteria provided, single submitter. Criteria: ACMG Guidelines, 2015. Collection method: clinical testing. Allele origin: germline. Affected: yes.
Comment: The variant is observed at an allele frequency greater than expected for the associated disorder in the gnomAD v2.1.1 dataset and therefore considered benign. Predicted Consequence/Location: Stop-gained (nonsense): predicted to result in a loss or disruption of normal protein function through nonsense-mediated decay (NMD) or protein truncation. Multiple pathogenic variants are reported downstream of the variant. The variant has been reported at least twice as pathogenic with clinical assertions and evidence for the classification (ClinVar ID: VCV000574714 /PMID: 25860818). Therefore, this variant is classified as Pathogenic according to the recommendation of ACMG/AMP guideline.

MGZ Medical Genetics Center
Classification: Likely pathogenic for 2-aminoadipic 2-oxoadipic aciduria. Last evaluated: 2022-05-31. Review status: criteria provided, single submitter. Criteria: ACMG Guidelines, 2015. Collection method: clinical testing. Allele origin: germline. Affected: yes. Observed: 1 variant allele.
Comment: ACMG criteria applied: PVS1, PM2_SUP

CeGaT Center for Human Genetics Tuebingen
Classification: Uncertain significance. Last evaluated: 2022-04-01. Review status: criteria provided, single submitter. Criteria: CeGaT Center For Human Genetics Tuebingen Variant Classification Criteria Version 2. Collection method: clinical testing. Allele origin: germline. Affected: yes. Observed: 1 variant allele.
Comment: DHTKD1: PVS1:Moderate

Ambry Genetics
Classification: Pathogenic for Inborn genetic diseases. Last evaluated: 2022-03-15. Review status: criteria provided, single submitter. Criteria: Ambry Variant Classification Scheme 2023. Collection method: clinical testing. Allele origin: germline.
Comment: The c.1309G>T (p.E437*) alteration, located in exon 7 (coding exon 7) of the DHTKD1 gene, consists of a G to T substitution at nucleotide position 1309. This changes the amino acid from a glutamic acid (E) to a stop codon at amino acid position 437. This alteration is expected to result in loss of function by premature protein truncation or nonsense-mediated mRNA decay. This alteration co-occurred with a second alteration in the DHTKD1 gene in an individual with alpha-aminoadipic and alpha-ketoadipic aciduria; however, information of the phase of these alterations was not provided (Hagen, 2015). Based on the available evidence, this alteration is classified as pathogenic.

Molecular Genetics, Royal Melbourne Hospital
Classification: Pathogenic for 2-aminoadipic 2-oxoadipic aciduria. Last evaluated: 2020-11-30. Review status: criteria provided, single submitter. Criteria: ACMG Guidelines, 2015. Collection method: clinical testing. Allele origin: germline. Affected: yes.
Comment: This sequence change creates a premature termination codon at position 437 in exon 7 (of 17) of DHTKD1 (p.Glu437*). It is expected to result in an absent or disrupted protein product. Loss of function variants in DHTKD1 are known to be pathogenic (PMID: 23141293, 25860818 - PVS1). The variant is present in a large population cohort at a frequency of 0.006% (rs138884194, 18/282,894 alleles in gnomAD v2.1 - PM2). It has been reported compound heterozygous with a second pathogenic variant in a case diagnosed with alpha-aminoadipic and alpha-ketoadipic aciduria (PMID: 25860818 - PM3). Based on the classification scheme RMH ACMG Guidelines v1.1.1, this variant is classified as PATHOGENIC. Following criteria are met: PVS1, PM2, PM3.

Victorian Clinical Genetics Services, Murdoch Childrens Research Institute
Classification: Pathogenic for 2-aminoadipic 2-oxoadipic aciduria. Last evaluated: 2020-06-11. Review status: criteria provided, single submitter. Criteria: ACMG Guidelines, 2015. Collection method: clinical testing. Allele origin: germline.
Comment: Based on the classification scheme VCGS_Germline_v1.1.1, this variant is classified as Pathogenic: Following criteria are met: 0102 - Loss-of-function is a known mechanism of disease for this gene. (N) 0108 - This gene is known to be associated with recessive disease. However, two unrelated families with autosomal dominant Charcot-Marie-Tooth disease type 2Q have been reported to harbour NMD-predicted variants (PMID: 23141294, 28902413). (N) 0201 - Variant is predicted to cause nonsense-mediated decay (NMD) and loss of protein (exon 7 of 17). (P) 0251 - Variant is heterozygous. (N) 0302 - Variant is present in gnomAD <0.001 for a dominant condition (14 heterozygotes, 0 homozygotes). (P) 0702 - Comparable variants have strong previous evidence for pathogenicity. Less than 10 NMD-predicted variants have been reported (ClinVar). (P) 0802 - Moderate previous evidence of pathogenicity in unrelated individuals. This variant has been reported as pathogenic in Clinvar once, as a heterozygote in a single patient with Charcot-Marie-Tooth and part of compound heterozygote in a patient with alpha-ketoadipic and alpha-aminoadipic aciduria (Clinvar, PMID: 25860818, 28902413). (P) 0905 - No segregation evidence has been identified for this variant. (N) 1007 - No published functional evidence has been identified for this variant. (N) 1208 - Inheritance information for this variant is not currently available. (N) Legend: (P) - Pathogenic, (N) - Neutral, (B) - Benign

Mayo Clinic Laboratories, Mayo Clinic
Classification: Likely pathogenic. Last evaluated: 2019-10-21. Review status: criteria provided, single submitter. Criteria: ACMG Guidelines, 2015. Collection method: clinical testing. Allele origin: germline. Observed: 1 variant allele.

Literature cited by the submitters: PubMed 23141293 (cited by Labcorp Genetics (formerly Invitae), Labcorp and Molecular Genetics, Royal Melbourne Hospital); PubMed 25860818 (cited by 7 submitters); PubMed 28902413 (cited by Women's Health and Genetics/Laboratory Corporation of America, LabCorp and Victorian Clinical Genetics Services, Murdoch Childrens Research Institute); PubMed 35052424 (cited by Women's Health and Genetics/Laboratory Corporation of America, LabCorp); PubMed 23141294 (cited by Victorian Clinical Genetics Services, Murdoch Childrens Research Institute).

NM_018706.7(DHTKD1):c.1309G>T (p.Glu437Ter)

Gene: DHTKD1 (dehydrogenase E1 and transketolase domain containing 1; plus strand). Cytogenetic location: 10p14.
Variant type: single nucleotide variant.
Coding change: c.1309G>T on transcript NM_018706.7 (MANE Select); coding-DNA position 1309, G replaced by T.
Protein change: p.Glu437Ter; replaces glutamic acid 437 with a stop codon.
Molecular consequence: nonsense.
Genome position (GRCh38, 1-based): chr10:12,094,222, G>T. VCF-style: chr10-12094222-G-T. GRCh37 (hg19) VCF-style: chr10-12136221-G-T.
Other names: c.1309G>T (NM_018706.5); short protein forms E437*.
Identifiers: ClinVar variation 574714 (VCV000574714.55), dbSNP rs138884194, ClinGen allele CA5407806.